The following is an entry in ClinVar:

ClinVar aggregate classification (germline): Pathogenic (1 of 4 stars; one submission).

Conditions:
Familial adenomatous polyposis 2. Also called: MYH-associated polyposis; FAP type 2; MUTYH-associated polyposis; MUTYH-related attenuated familial adenomatous polyposis; Adenomas, multiple colorectal; COLORECTAL ADENOMATOUS POLYPOSIS, AUTOSOMAL RECESSIVE. Identifiers: Orphanet 220460, Orphanet 247798, MedGen C3272841, MONDO:0012041, OMIM 608456.

Submission:

Labcorp Genetics (formerly Invitae), Labcorp
Classification: Pathogenic for Familial adenomatous polyposis 2. Last evaluated: 2021-08-10. Review status: criteria provided, single submitter. Criteria: Invitae Variant Classification Sherloc (09022015). Collection method: clinical testing. Allele origin: germline.
Comment: This sequence change creates a premature translational stop signal (p.Ala165Leufs*6) in the MUTYH gene. It is expected to result in an absent or disrupted protein product. Loss-of-function variants in MUTYH are known to be pathogenic (PMID: 18534194, 20663686). This variant is not present in population databases (ExAC no frequency). This variant has not been reported in the literature in individuals affected with MUTYH-related conditions. For these reasons, this variant has been classified as Pathogenic.

Literature cited by the submitters: PubMed 18534194; PubMed 20663686.

NM_001048174.2(MUTYH):c.409del (p.Ala137fs)

Gene: MUTYH (mutY DNA glycosylase; minus strand). Cytogenetic location: 1p34.1.
Variant type: Deletion.
Coding change: c.409del on transcript NM_001048174.2 (MANE Select); coding-DNA position 409, one base deleted (G; older notation c.409delG).
Protein change: p.Ala137fs; shifts the reading frame from alanine 137.
Molecular consequence: frameshift variant. On other transcripts: non-coding transcript variant (2).
Genome position (GRCh38, 1-based): chr1:45,332,929, C deleted on the plus strand (G on the coding strand, the reverse complement: MUTYH is on the minus strand). VCF-style (leftmost placement, unchanged base first): chr1-45332928-GC-G. GRCh37 (hg19) VCF-style: chr1-45798600-GC-G.
Other names: c.409del, p.Ala137fs (NM_001048171.2, NM_001048173.2, NM_001293195.2); c.412del, p.Ala138fs (NM_001048172.2); c.493del, p.Ala165fs (NM_001128425.2); c.454del, p.Ala152fs (NM_001293190.2); c.442del, p.Ala148fs (NM_001293191.2); c.133del, p.Ala45fs (NM_001293192.2, NM_001293196.2); c.64del, p.Ala22fs (NM_001350650.2, NM_001350651.2); c.484del, p.Ala162fs (NM_012222.3); short protein forms A137fs, A45fs, A148fs, A162fs, A22fs, A152fs, A165fs, A138fs.
Identifiers: ClinVar variation 1352487 (VCV001352487.6), dbSNP rs2149160869, ClinGen allele CA2573132093.
Genomic context (GRCh38, chr1:45,332,928, plus strand): 5'-CGTCAGTCCCTCTATTGTTCCTATTTCCCCTACCCTAGGGTGGCTCTCACCTCCAGGGAA[GC>G]ACTGGCCAGGTCCTGCAGTGTAGGCCACTTCTATAGCCACAGGCAGGCAGAAAGAGACAA-3'